The following is an entry in ClinVar:

ClinVar aggregate classification (germline): Uncertain significance. Review status: criteria provided, multiple submitters, no conflicts (2 of 4 stars). 2 submissions from 2 submitters: Uncertain significance (2). Last evaluated 2022-05-27.

Allele frequency attached by ClinVar (database versions not stated): TOPMed below 0.00001; ESP Exome Variant Server 0.00010.
gnomAD v4.1: 1 of 1,613,790 alleles (0.000062%); no homozygotes.

Submissions (2):

Women's Health and Genetics/Laboratory Corporation of America, LabCorp
Classification: Uncertain significance. Last evaluated: 2022-05-27. Review status: criteria provided, single submitter. Criteria: LabCorp Variant Classification Summary - May 2015. Collection method: clinical testing. Allele origin: germline.
Comment: Variant summary: FAM161A c.102C>A (p.Asp34Glu) results in a conservative amino acid change in the encoded protein sequence. Five of five in-silico tools predict a benign effect of the variant on protein function. The variant allele was found at a frequency of 4e-06 in 248680 control chromosomes (gnomAD). The available data on variant occurrences in the general population are insufficient to allow any conclusion about variant significance. To our knowledge, no occurrence of c.102C>A in individuals affected with Retinitis Pigmentosa and no experimental evidence demonstrating its impact on protein function have been reported. One ClinVar submitter has assessed the variant since 2014: the variant was classified as of uncertain significance. Based on the evidence outlined above, the variant was classified as uncertain significance.

Labcorp Genetics (formerly Invitae), Labcorp
Classification: Uncertain significance. Last evaluated: 2021-10-27. Review status: criteria provided, single submitter. Criteria: Invitae Variant Classification Sherloc (09022015). Collection method: clinical testing. Allele origin: germline.
Comment: This variant has not been reported in the literature in individuals affected with FAM161A-related conditions. This variant is present in population databases (rs377215266, gnomAD 0.01%). This sequence change replaces aspartic acid, which is acidic and polar, with glutamic acid, which is acidic and polar, at codon 34 of the FAM161A protein (p.Asp34Glu). Algorithms developed to predict the effect of missense changes on protein structure and function (SIFT, PolyPhen-2, Align-GVGD) all suggest that this variant is likely to be tolerated. In summary, the available evidence is currently insufficient to determine the role of this variant in disease. Therefore, it has been classified as a Variant of Uncertain Significance.

NM_001201543.2(FAM161A):c.102C>A (p.Asp34Glu)

Genes: FAM161A (FAM161 centrosomal protein A; minus strand), LOC129933843 (ATAC-STARR-seq lymphoblastoid active region 15839; plus strand). Cytogenetic location: 2p15.
Variant type: single nucleotide variant.
Coding change: c.102C>A on transcript NM_001201543.2 (MANE Select); coding-DNA position 102, C replaced by A.
Protein change: p.Asp34Glu; replaces aspartic acid 34 with glutamic acid.
Molecular consequence: missense variant. On other transcripts: non-coding transcript variant (1).
Genome position (GRCh38, 1-based): chr2:61,853,940, G>T on the plus strand (C>A on the coding strand, the complement: FAM161A is on the minus strand). VCF-style: chr2-61853940-G-T. GRCh37 (hg19) VCF-style: chr2-62081075-G-T.
Other names: c.102C>A, p.Asp34Glu (NM_032180.3); short protein forms D34E.
Identifiers: ClinVar variation 1382697 (VCV001382697.7), dbSNP rs377215266, ClinGen allele CA1679449.